The following is an entry in ClinVar:

ClinVar aggregate classification (germline): Likely benign. Review status: criteria provided, multiple submitters, no conflicts (2 of 4 stars). 3 submissions from 3 submitters: Likely benign (2). 1 of the submissions does not count toward it. Last evaluated 2021-11-06.

Conditions:
VCAN-related disorder. Also called: VCAN-related condition.
Vitreoretinopathy. Also called: Vitreoretinal degeneration. Identifiers: MedGen C0344290, MONDO:0020248, HP:0007773.

Allele frequency attached by ClinVar (database versions not stated): gnomAD exomes below 0.00001; TOPMed below 0.00001; ExAC 0.00002; ESP Exome Variant Server 0.00008; 1000 Genomes Project 30x 0.00016; 1000 Genomes Project 0.00020.
gnomAD v4.1: 3 of 1,613,832 alleles (0.00019%); highest among the groups gnomAD compares: Non-Finnish European, 0.00025%; no homozygotes.

Submissions (3):

Labcorp Genetics (formerly Invitae), Labcorp
Classification: Likely benign. Last evaluated: 2021-11-06. Review status: criteria provided, single submitter. Criteria: Invitae Variant Classification Sherloc (09022015). Collection method: clinical testing. Allele origin: germline.

Illumina Laboratory Services, Illumina
Classification: Likely benign for Vitreoretinopathy. Last evaluated: 2018-01-12. Review status: criteria provided, single submitter. Criteria: ICSL Variant Classification Criteria 13 December 2019. Collection method: clinical testing. Allele origin: germline.
Comment: This variant was observed in the ICSL laboratory as part of a predisposition screen in an ostensibly healthy population. It had not been previously curated by ICSL or reported in the Human Gene Mutation Database (HGMD: prior to June 1st, 2018), and was therefore a candidate for classification through an automated scoring system. Utilizing variant allele frequency, disease prevalence and penetrance estimates, and inheritance mode, an automated score was calculated to assess if this variant is too frequent to cause the disease. Based on the score and internal cut-off values, a variant classified as likely benign is not then subjected to further curation. The score for this variant resulted in a classification of likely benign for this disease.

PreventionGenetics, part of Exact Sciences
Classification: Likely benign for VCAN-related condition. Last evaluated: 2023-05-15. Review status: no assertion criteria provided. Collection method: clinical testing. Allele origin: germline. Not counted in ClinVar's aggregate classification.
Comment: This variant is classified as likely benign based on ACMG/AMP sequence variant interpretation guidelines (Richards et al. 2015 PMID: 25741868, with internal and published modifications).

NM_004385.5(VCAN):c.6672T>C (p.Asp2224=)

Genes: VCAN (versican; plus strand), VCAN-AS1 (VCAN antisense RNA 1; minus strand). Cytogenetic location: 5q14.3.
Variant type: single nucleotide variant.
Coding change: c.6672T>C on transcript NM_004385.5 (MANE Select); coding-DNA position 6672, T replaced by C.
Protein change: p.Asp2224=; no amino-acid change (aspartic acid 2224 retained).
Molecular consequence: synonymous variant. On other transcripts: intron variant (2).
Genome position (GRCh38, 1-based): chr5:83,539,675, T>C. VCF-style: chr5-83539675-T-C. GRCh37 (hg19) VCF-style: chr5-82835494-T-C.
Other names: c.3711T>C, p.Asp1237= (NM_001164097.2); c.4004-5862T>C (NM_001164098.2); c.1043-5862T>C (NM_001126336.3).
Identifiers: ClinVar variation 354435 (VCV000354435.15), dbSNP rs183187115, ClinGen allele CA3333506.